The following is an entry in ClinVar:

NM_000186.4(CFH):c.3152C>T (p.Pro1051Leu)

Gene: CFH (complement factor H; plus strand). Cytogenetic location: 1q31.3.
Variant type: single nucleotide variant.
Coding change: c.3152C>T on transcript NM_000186.4 (MANE Select); coding-DNA position 3152, C replaced by T.
Protein change: p.Pro1051Leu; replaces proline 1051 with leucine.
Molecular consequence: missense variant.
Genome position (GRCh38, 1-based): chr1:196,743,470, C>T. VCF-style: chr1-196743470-C-T. GRCh37 (hg19) VCF-style: chr1-196712600-C-T.
Other names: short protein forms P1051L.
Identifiers: ClinVar variation 3237399 (VCV003237399.5), dbSNP rs375365236.

ClinVar aggregate classification (germline): Uncertain significance. Review status: criteria provided, multiple submitters, no conflicts (2 of 4 stars). 4 submissions from 4 submitters: Uncertain significance (4). Last evaluated 2026-05-13.

Conditions:
Hemolytic uremic syndrome, atypical, susceptibility to, 1. Also called: AHUS, SUSCEPTIBILITY TO, 1. Identifiers: Orphanet 2134, Orphanet 90038, MedGen C2749604, MONDO:0009335, OMIM 235400. Disease mechanism: Other.
Basal laminar drusen. Also called: DRUSEN OF BRUCH MEMBRANE; DRUSEN, CUTICULAR; DRUSEN, EARLY ADULT-ONSET, GROUPED. Identifiers: Orphanet 75376, MedGen C0730295, MONDO:0007472, OMIM 126700.
Factor H deficiency (CFHD). Also called: CFH DEFICIENCY; COMPLEMENT FACTOR H DEFICIENCY. Identifiers: Orphanet 200421, MedGen C0398777, MONDO:0012350, OMIM 609814.
Age related macular degeneration 4. Identifiers: MedGen C1853147, MONDO:0012540, OMIM 610698.

Allele frequency attached by ClinVar (database versions not stated): ExAC 0.00003; gnomAD 0.00007; TOPMed 0.00008; ESP Exome Variant Server 0.00015; gnomAD exomes 0.00015.
gnomAD v4.1: 241 of 1,613,768 alleles (0.015%); highest among the groups gnomAD compares: Non-Finnish European, 0.019%; 1 homozygote.

Submissions (4):

Women's Health and Genetics/Laboratory Corporation of America, LabCorp
Classification: Uncertain significance. Last evaluated: 2026-05-13. Review status: criteria provided, single submitter. Criteria: LabCorp Variant Classification Summary - May 2015. Collection method: clinical testing. Allele origin: germline.
Comment: Variant summary: CFH c.3152C>T (p.Pro1051Leu) results in a non-conservative amino acid change located in the Sushi/CCP/SCR domain profile (IPR000436) of the encoded protein sequence. Algorithms developed to predict the effect of missense changes on protein structure and function all suggest that this variant is likely to be disruptive. The variant allele was found at a frequency of 3.2e-05 in 251416 control chromosomes (gnomAD). The available data on variant occurrences in the general population are insufficient to allow any conclusion about variant significance. c.3152C>T has been reported in the literature in individuals affected with CFH-Related Disorders (Triebwasser_2015). The report does not provide unequivocal conclusions about association of the variant with CFH-Related Disorders. To our knowledge, no experimental evidence demonstrating an impact on protein function has been reported. The following publication have been ascertained in the context of this evaluation (PMID: 26501415). ClinVar contains an entry for this variant (Variation ID: 3237399). Based on the evidence outlined above, the variant was classified as uncertain significance.

Genomenon, Inc
Classification: Uncertain significance for Age related macular degeneration 4. Last evaluated: 2025-10-02. Review status: criteria provided, single submitter. Criteria: Genomenon Sequence Variant Interpretation Standards - Updated. Collection method: curation. Allele origin: germline. Affected: yes.
Comment: CFH p.Pro1051Leu (c.3152C>T) is a missense variant that changes the amino acid at residue 1051 from Proline to Leucine. This variant has been observed in at least one proband affected with age-related macular degeneration (PMID:26501415). It is absent or not present at a significant frequency in gnomAD. In conclusion, we classify CFH p.Pro1051Leu (c.3152C>T) as a variant of uncertain significance.

Fulgent Genetics
Classification: Uncertain significance for Basal laminar drusen; Hemolytic uremic syndrome, atypical, susceptibility to, 1; Factor H deficiency; Age related macular degeneration 4. Last evaluated: 2024-05-24. Review status: criteria provided, single submitter. Criteria: ACMG Guidelines, 2015. Collection method: clinical testing. Allele origin: germline.

Clinical Genomics Laboratory, Washington University in St. Louis
Classification: Uncertain significance for Hemolytic uremic syndrome, atypical, susceptibility to, 1. Last evaluated: 2024-02-27. Review status: criteria provided, single submitter. Criteria: ACMG Guidelines, 2015. Collection method: clinical testing. Allele origin: germline.
Comment: The CFH c.3152C>T (p.Pro1051Leu) variant, to our knowledge, has not been reported in the medical literature. This variant is observed on 241/1,613,768 alleles in the general population (gnomAD v.4.0.0). Computational predictors are conflicting as to the impact of this variant on CFH function. Due to limited information, and based on ACMG/AMP guidelines for variant interpretation (Richards S et al., PMID: 25741868), the clinical significance of this variant is uncertain at this time.

Literature cited by the submitters: PubMed 26501415 (cited by Women's Health and Genetics/Laboratory Corporation of America, LabCorp and Genomenon, Inc).